The following is an entry in ClinVar:

ClinVar aggregate classification (germline): Likely benign (0 of 4 stars; one submission).

Conditions:
NLRP2-related disorder. Also called: NLRP2-related condition.

Allele frequency attached by ClinVar (database versions not stated): gnomAD exomes 0.00002; ExAC 0.00004.
gnomAD v4.1: 39 of 1,613,966 alleles (0.0024%); highest among the groups gnomAD compares: Non-Finnish European, 0.0031%; no homozygotes.

Submission:

PreventionGenetics, part of Exact Sciences
Classification: Likely benign for NLRP2-related condition. Last evaluated: 2022-05-20. Review status: no assertion criteria provided. Collection method: clinical testing. Allele origin: germline.
Comment: This variant is classified as likely benign based on ACMG/AMP sequence variant interpretation guidelines (Richards et al. 2015 PMID: 25741868, with internal and published modifications).

NM_017852.5(NLRP2):c.994C>T (p.Leu332=)

Gene: NLRP2 (NLR family pyrin domain containing 2; plus strand). Cytogenetic location: 19q13.42.
Variant type: single nucleotide variant.
Coding change: c.994C>T on transcript NM_017852.5 (MANE Select); coding-DNA position 994, C replaced by T.
Protein change: p.Leu332=; no amino-acid change (leucine 332 retained).
Molecular consequence: synonymous variant. On other transcripts: non-coding transcript variant (1).
Genome position (GRCh38, 1-based): chr19:54,982,692, C>T. VCF-style: chr19-54982692-C-T. GRCh37 (hg19) VCF-style: chr19-55494060-C-T.
Other names: c.994C>T, p.Leu332= (NM_001174081.3); c.928C>T, p.Leu310= (NM_001174082.3); c.925C>T, p.Leu309= (NM_001174083.2); c.985C>T, p.Leu329= (NM_001348003.2).
Identifiers: ClinVar variation 3049023 (VCV003049023.2), dbSNP rs767499946, ClinGen allele CA310103497.